The following is an entry in ClinVar:

NM_005045.4(RELN):c.7432G>A (p.Gly2478Arg)

Gene: RELN (reelin; minus strand). Cytogenetic location: 7q22.1.
Variant type: single nucleotide variant.
Coding change: c.7432G>A on transcript NM_005045.4 (MANE Select); coding-DNA position 7432, G replaced by A.
Protein change: p.Gly2478Arg; replaces glycine 2478 with arginine.
Molecular consequence: missense variant.
Genome position (GRCh38, 1-based): chr7:103,523,449, C>T on the plus strand (G>A on the coding strand, the complement: RELN is on the minus strand). VCF-style: chr7-103523449-C-T. GRCh37 (hg19) VCF-style: chr7-103163896-C-T.
Other names: c.7432G>A, p.Gly2478Arg (NM_173054.3); short protein forms G2478R.
Identifiers: ClinVar variation 2117668 (VCV002117668.4), dbSNP rs2484756045, ClinGen allele CA368767801.

ClinVar aggregate classification (germline): Uncertain significance (1 of 4 stars; one submission).

Conditions:
Norman-Roberts syndrome (LIS2). Also called: Lissencephaly 2 (Norman-Roberts type). Identifiers: Orphanet 89844, MedGen C0796089, MONDO:0009760, OMIM 257320.
Familial temporal lobe epilepsy 7. Identifiers: Orphanet 101046, MedGen C4225327, MONDO:0014639, OMIM 616436.

Submission:

Labcorp Genetics (formerly Invitae), Labcorp
Classification: Uncertain significance for Familial temporal lobe epilepsy 7; Norman-Roberts syndrome. Last evaluated: 2022-03-26. Review status: criteria provided, single submitter. Criteria: Invitae Variant Classification Sherloc (09022015). Collection method: clinical testing. Allele origin: germline.
Comment: In summary, the available evidence is currently insufficient to determine the role of this variant in disease. Therefore, it has been classified as a Variant of Uncertain Significance. Algorithms developed to predict the effect of missense changes on protein structure and function are either unavailable or do not agree on the potential impact of this missense change (SIFT: "Deleterious"; PolyPhen-2: "Probably Damaging"; Align-GVGD: "Class C0"). This variant has not been reported in the literature in individuals affected with RELN-related conditions. This variant is not present in population databases (gnomAD no frequency). This sequence change replaces glycine, which is neutral and non-polar, with arginine, which is basic and polar, at codon 2478 of the RELN protein (p.Gly2478Arg).